The following is an entry in ClinVar:

NM_001128178.3(NPHP1):c.1083+1G>A

Gene: NPHP1 (nephrocystin 1; minus strand). Cytogenetic location: 2q13.
Variant type: single nucleotide variant.
Coding change: c.1083+1G>A on transcript NM_001128178.3 (MANE Select); the canonical splice donor site of the intron after coding-DNA position 1083, G replaced by A.
Molecular consequence: splice donor variant.
Genome position (GRCh38, 1-based): chr2:110,160,126, C>T on the plus strand (G>A on the coding strand, the complement: NPHP1 is on the minus strand). VCF-style: chr2-110160126-C-T. GRCh37 (hg19) VCF-style: chr2-110917703-C-T.
Other names: c.894+1G>A (NM_001128179.3); c.1080+1G>A (NM_001374256.1); c.1083+1G>A (NM_001374257.1); c.1248+1G>A (NM_207181.4); c.1251+1G>A (NM_000272.5).
Identifiers: ClinVar variation 2445937 (VCV002445937.2), dbSNP rs564605452, ClinGen allele CA348089319.
Genomic context (GRCh38, chr2:110,160,126, plus strand): 5'-ATCTAAGGGAATGTTTCTCCATAATCCTAGTATGAATTGATTTACTTCTCAGTAACCTTA[C>T]CTTATTACCATCAAATAGACAGAGGCGTACATGTCTGCTGAGAACCTGTATGCTCATTCC-3'

ClinVar aggregate classification (germline): Likely pathogenic. Review status: criteria provided, multiple submitters, no conflicts (2 of 4 stars). 2 submissions from 2 submitters: Likely pathogenic (2). Last evaluated 2023-02-21.

Conditions:
Joubert syndrome and related disorders. Identifiers: Orphanet 140874, MedGen C5679612, MONDO:0015369.
Joubert syndrome with renal defect. Also called: JOUBERT SYNDROME 4. Identifiers: Orphanet 220497, MedGen C1846790, MONDO:0012308, OMIM 609583.

Allele frequency attached by ClinVar (database versions not stated): gnomAD exomes 0.00001.
gnomAD v4.1: 3 of 1,612,774 alleles (0.00019%); highest among the groups gnomAD compares: East Asian, 0.0067%; no homozygotes.

Submissions (2):

Women's Health and Genetics/Laboratory Corporation of America, LabCorp
Classification: Likely pathogenic for Joubert syndrome and related disorders. Last evaluated: 2023-02-21. Review status: criteria provided, single submitter. Criteria: LabCorp Variant Classification Summary - May 2015. Collection method: clinical testing. Allele origin: germline.
Comment: Variant summary: NPHP1 c.1251+1G>A is located in a canonical splice-site and is predicted to affect mRNA splicing resulting in a significantly altered protein due to either exon skipping, shortening, or inclusion of intronic material. Several computational tools predict a significant impact on normal splicing: Three predict the variant abolishes the canonical 5' splicing donor site. However, these predictions have yet to be confirmed by functional studies. The variant was absent in 251206 control chromosomes (gnomAD). c.1251+1G>A has been reported in the literature in an individual affected with Joubert Syndrome in homozygous state (example: Sakurai_2021). These data indicate that the variant may be associated with disease. To our knowledge, no experimental evidence demonstrating an impact on protein function has been reported. No clinical diagnostic laboratories have submitted clinical-significance assessments for this variant to ClinVar after 2014. Based on the evidence outlined above, the variant was classified as likely pathogenic.

Baylor Genetics
Classification: Likely pathogenic for Joubert syndrome with renal defect. Last evaluated: 2022-04-08. Review status: criteria provided, single submitter. Criteria: ACMG Guidelines, 2015. Collection method: clinical testing. Allele origin: unknown.

Literature cited by the submitters: PubMed 34090716 (cited by Women's Health and Genetics/Laboratory Corporation of America, LabCorp).